The following is an entry in ClinVar:

ClinVar aggregate classification (germline): Pathogenic (1 of 4 stars; one submission).

Conditions:
Developmental and epileptic encephalopathy, 78. Also called: EPILEPTIC ENCEPHALOPATHY, EARLY INFANTILE, 78. Identifiers: MedGen C5231409, MONDO:0032812, OMIM 618557.

Submission:

Pediatric Neurology, Shengjing Hospital of China Medical University
Classification: Pathogenic for Developmental and epileptic encephalopathy, 78. Review status: criteria provided, single submitter. Criteria: ACMG Guidelines, 2015. Collection method: clinical testing. Allele origin: de novo. Inheritance: Autosomal dominant inheritance. Affected: yes. Observed: 1 heterozygote.
Comment: This is an insertion mutation that has not been reported before. It is a loss-of-function (LOF) variant, which may lead to the loss of gene function(PVS1).Additionally, the minor allele frequency (MAF) is less than 0.0005, indicating that it is a low-frequency variant(PS2).

NM_000807.4(GABRA2):c.988_989insTTATG (p.Glu330fs)

Gene: GABRA2 (gamma-aminobutyric acid type A receptor subunit alpha2; minus strand). Cytogenetic location: 4p12.
Variant type: Insertion.
Coding change: c.988_989insTTATG on transcript NM_000807.4 (MANE Select); coding-DNA positions 988 to 989, TTATG inserted.
Protein change: p.Glu330fs; shifts the reading frame from glutamic acid 330.
Molecular consequence: frameshift variant.
Genome position: GRCh38 VCF-style: chr4-46261996-T-TCATAA. GRCh37 (hg19) VCF-style: chr4-46264013-T-TCATAA.
Other names: c.988_989insTTATG, p.Glu330fs (NM_001114175.3, NM_001330690.2, NM_001377144.1 and 8 more transcripts); c.823_824insTTATG, p.Glu275fs (NM_001286827.3, NM_001377152.1, NM_001377153.1 and 1 more transcripts); short protein forms E275fs, E330fs.
Identifiers: ClinVar variation 3338107 (VCV003338107.2).